The following is an entry in ClinVar:

NM_001258392.3(CLPB):c.1979G>A (p.Arg660His)

Gene: CLPB (ClpB family mitochondrial disaggregase; minus strand). Cytogenetic location: 11q13.4.
Variant type: single nucleotide variant.
Coding change: c.1979G>A on transcript NM_001258392.3 (MANE Select); coding-DNA position 1979, G replaced by A.
Protein change: p.Arg660His; replaces arginine 660 with histidine.
Molecular consequence: missense variant.
Genome position (GRCh38, 1-based): chr11:72,293,422, C>T on the plus strand (G>A on the coding strand, the complement: CLPB is on the minus strand). VCF-style: chr11-72293422-C-T. GRCh37 (hg19) VCF-style: chr11-72004466-C-T.
Other names: c.2069G>A (NM_030813.3); c.1892G>A, p.Arg631His (NM_001258393.3); c.1934G>A, p.Arg645His (NM_001258394.3); c.2069G>A, p.Arg690His (NM_030813.6); short protein forms R690H, R660H, R645H, R631H.
Identifiers: ClinVar variation 954673 (VCV000954673.13), dbSNP rs758613799, ClinGen allele CA6170978.
Genomic context (GRCh38, chr11:72,293,422, plus strand): 5'-GGCTGCTAGATGGTGTTGCACACCTTCTCAGGGTGCAGTGGTGCCCGGATGTCCAGTCTG[C>T]GAGTCTTGCTGTCCTTGTCGATGATCTCCAGACGCAGCTTGGGGAGGCGCTTCTCAGCCT-3'
Protein context (NP_001245321.1, residues 650-670): LEIIDKDSKT[Arg660His]RLDIRAPLHP

ClinVar aggregate classification (germline): Conflicting classifications of pathogenicity. Review status: criteria provided, conflicting classifications (1 of 4 stars). 4 submissions from 4 submitters: Uncertain significance (3); Likely benign (1). Last evaluated 2025-09-15.

Conditions:
Inborn genetic diseases. Identifiers: MedGen C0950123, MeSH D030342.
CLPB-related disorder. Also called: CLPB-related condition.
3-methylglutaconic aciduria, type VIIB (MGCA7B). Also called: CLPB Deficiency; 3-methylglutaconic aciduria with cataracts, neurologic involvement and neutropenia; 3-methylglutaconic aciduria, type VII, with cataracts, neurologic involvement and neutropenia. Identifiers: Orphanet 445038, MedGen C5676893, MONDO:0014561, OMIM 616271.

Allele frequency attached by ClinVar (database versions not stated): ExAC 0.00002; gnomAD 0.00004; gnomAD exomes 0.00004; TOPMed 0.00005.
gnomAD v4.1: 104 of 1,614,010 alleles (0.0064%); highest among the groups gnomAD compares: Non-Finnish European, 0.0082%; no homozygotes.

Submissions (4):

Women's Health and Genetics/Laboratory Corporation of America, LabCorp
Classification: Uncertain significance. Last evaluated: 2025-09-15. Review status: criteria provided, single submitter. Criteria: LabCorp Variant Classification Summary - May 2015. Collection method: clinical testing. Allele origin: germline.
Comment: Variant summary: CLPB c.2069G>A (p.Arg690His) results in a non-conservative amino acid change in the encoded protein sequence. Algorithms developed to predict the effect of missense changes on protein structure and function are either unavailable or do not agree on the potential impact of this missense change. The variant allele was found at a frequency of 3.6e-05 in 251400 control chromosomes. The available data on variant occurrences in the general population are insufficient to allow any conclusion about variant significance. To our knowledge, no occurrence of c.2069G>A in individuals affected with CLPB-related conditions and no experimental evidence demonstrating its impact on protein function have been reported. ClinVar contains an entry for this variant (Variation ID: 954673). Based on the evidence outlined above, the variant was classified as uncertain significance.

Labcorp Genetics (formerly Invitae), Labcorp
Classification: Uncertain significance for 3-methylglutaconic aciduria, type VIIB. Last evaluated: 2025-09-13. Review status: criteria provided, single submitter. Criteria: Invitae Variant Classification Sherloc (09022015). Collection method: clinical testing. Allele origin: germline.
Comment: This sequence change replaces arginine, which is basic and polar, with histidine, which is basic and polar, at codon 690 of the CLPB protein (p.Arg690His). This variant is present in population databases (rs758613799, gnomAD 0.008%). This variant has not been reported in the literature in individuals affected with CLPB-related conditions. ClinVar contains an entry for this variant (Variation ID: 954673). An algorithm developed to predict the effect of missense changes on protein structure and function outputs the following: PolyPhen-2: "Benign". The histidine amino acid residue is found in multiple mammalian species, which suggests that this missense change does not adversely affect protein function. In summary, the available evidence is currently insufficient to determine the role of this variant in disease. Therefore, it has been classified as a Variant of Uncertain Significance.

PreventionGenetics, part of Exact Sciences
Classification: Uncertain significance for CLPB-related condition. Last evaluated: 2025-02-04. Review status: criteria provided, single submitter. Criteria: ACMG Guidelines, 2015. Collection method: clinical testing. Allele origin: germline.
Comment: The CLPB c.2069G>A variant is predicted to result in the amino acid substitution p.Arg690His. To our knowledge, this variant has not been reported in the literature. This variant is reported in 0.0070% of alleles in individuals of European (Non-Finnish) descent in gnomAD. At this time, the clinical significance of this variant is uncertain due to the absence of conclusive functional and genetic evidence.

Ambry Genetics
Classification: Likely benign for Inborn genetic diseases. Last evaluated: 2023-03-06. Review status: criteria provided, single submitter. Criteria: Ambry Variant Classification Scheme 2023. Collection method: clinical testing. Allele origin: germline.